The following is an entry in ClinVar:

NM_001308093.3(GATA4):c.478A>C (p.Ser160Arg)

Gene: GATA4 (GATA binding protein 4). Cytogenetic location: 8p23.1.
Variant type: single nucleotide variant.
Coding change: c.478A>C on transcript NM_001308093.3 (MANE Select); coding-DNA position 478, A replaced by C.
Protein change: p.Ser160Arg; replaces serine 160 with arginine.
Molecular consequence: missense variant. On other transcripts: intron variant (3).
Genome position (GRCh38, 1-based): chr8:11,708,790, A>C. VCF-style: chr8-11708790-A-C. GRCh37 (hg19) VCF-style: chr8-11566299-A-C.
Other names: c.478A>C, p.Ser160Arg (NM_002052.5); c.-6+8012A>C (NM_001308094.2); c.-3+776A>C (NM_001374274.1); c.-3+4486A>C (NM_001374273.1); short protein forms S160R.
Identifiers: ClinVar variation 4739846 (VCV004739846.1).

ClinVar aggregate classification (germline): Uncertain significance (1 of 4 stars; one submission).

Conditions:
Atrioventricular septal defect 4 (AVSD4). Identifiers: MedGen C3280781, MONDO:0013747, OMIM 614430.

Submission:

Labcorp Genetics (formerly Invitae), Labcorp
Classification: Uncertain significance for Atrioventricular septal defect 4. Last evaluated: 2025-11-12. Review status: criteria provided, single submitter. Criteria: Invitae Variant Classification Sherloc (09022015). Collection method: clinical testing. Allele origin: germline.
Comment: This sequence change replaces serine, which is neutral and polar, with arginine, which is basic and polar, at codon 160 of the GATA4 protein (p.Ser160Arg). This variant is not present in population databases (gnomAD no frequency). This variant has not been reported in the literature in individuals affected with GATA4-related conditions. Invitae Evidence Modeling of protein sequence and biophysical properties (such as structural, functional, and spatial information, amino acid conservation, physicochemical variation, residue mobility, and thermodynamic stability) has been performed for this missense variant. However, the output from this modeling did not meet the statistical confidence thresholds required to predict the impact of this variant on GATA4 protein function. In summary, the available evidence is currently insufficient to determine the role of this variant in disease. Therefore, it has been classified as a Variant of Uncertain Significance.